The following is an entry in ClinVar:

NM_032340.4(UQCC2):c.13C>A (p.Arg5=)

Gene: UQCC2 (ubiquinol-cytochrome c reductase complex assembly factor 2; minus strand). Cytogenetic location: 6p21.31.
Variant type: single nucleotide variant.
Coding change: c.13C>A on transcript NM_032340.4 (MANE Select); coding-DNA position 13, C replaced by A.
Protein change: p.Arg5=; no amino-acid change (arginine 5 retained).
Molecular consequence: synonymous variant.
Genome position (GRCh38, 1-based): chr6:33,711,674, G>T on the plus strand (C>A on the coding strand, the complement: UQCC2 is on the minus strand). VCF-style: chr6-33711674-G-T. GRCh37 (hg19) VCF-style: chr6-33679451-G-T.
Identifiers: ClinVar variation 1905848 (VCV001905848.5), dbSNP rs764465185, ClinGen allele CA3762560.

ClinVar aggregate classification (germline): Uncertain significance (1 of 4 stars; one submission).

gnomAD v4.1: 12 of 1,609,994 alleles (0.00075%); highest among the groups gnomAD compares: Admixed American, 0.014%; no homozygotes.

Submission:

Labcorp Genetics (formerly Invitae), Labcorp
Classification: Uncertain significance. Last evaluated: 2025-11-06. Review status: criteria provided, single submitter. Criteria: Invitae Variant Classification Sherloc (09022015). Collection method: clinical testing. Allele origin: germline.
Comment: This sequence change affects codon 5 of the UQCC2 mRNA. It is a 'silent' change, meaning that it does not change the encoded amino acid sequence of the UQCC2 protein. This variant is present in population databases (rs764465185, gnomAD 0.02%). This variant has not been reported in the literature in individuals affected with UQCC2-related conditions. ClinVar contains an entry for this variant (Variation ID: 1905848). Algorithms developed to predict the effect of sequence changes on RNA splicing suggest that this variant may create or strengthen a splice site. In summary, the available evidence is currently insufficient to determine the role of this variant in disease. Therefore, it has been classified as a Variant of Uncertain Significance.